The following is an entry in ClinVar:

NM_025137.4(SPG11):c.2612dup (p.Ser871fs)

Gene: SPG11 (SPG11 vesicle trafficking associated, spatacsin; minus strand). Cytogenetic location: 15q21.1.
Variant type: Duplication.
Coding change: c.2612dup on transcript NM_025137.4 (MANE Select); coding-DNA position 2612, one base duplicated (G; older notation c.2612dupG).
Protein change: p.Ser871fs; shifts the reading frame from serine 871.
Molecular consequence: frameshift variant.
Genome position (GRCh38, 1-based): chr15:44,621,767, C duplicated on the plus strand (G on the coding strand, the reverse complement: SPG11 is on the minus strand). VCF-style (leftmost placement, unchanged base first): chr15-44621766-A-AC. GRCh37 (hg19) VCF-style: chr15-44913964-A-AC.
Other names: c.2612dup, p.Ser871fs (NM_001160227.2); short protein forms S871fs.
Identifiers: ClinVar variation 856716 (VCV000856716.11), dbSNP rs750101275, ClinGen allele CA270073867.

ClinVar aggregate classification (germline): Pathogenic (1 of 4 stars; one submission).

Conditions:
Amyotrophic lateral sclerosis type 5 (ALS5). Also called: AMYOTROPHIC LATERAL SCLEROSIS 5, JUVENILE. Identifiers: Orphanet 300605, MedGen C1865864, MONDO:0011196, OMIM 602099.
Charcot-Marie-Tooth disease axonal type 2X. Also called: CHARCOT-MARIE-TOOTH DISEASE, AXONAL, AUTOSOMAL RECESSIVE, TYPE 2X; CHARCOT-MARIE-TOOTH NEUROPATHY, TYPE 2X. Identifiers: Orphanet 466775, MedGen C5569024, MONDO:0014726, OMIM 616668.
Hereditary spastic paraplegia 11. Also called: SPASTIC PARAPLEGIA, AUTOSOMAL RECESSIVE, COMPLICATED, WITH THIN CORPUS CALLOSUM; SPASTIC PARAPLEGIA, AUTOSOMAL RECESSIVE, WITH MENTAL IMPAIRMENT AND THIN CORPUS CALLOSUM; Spastic paraplegia, mental retardation and thin corpus callosum; Nakamura Osame syndrome; Autosomal recessive hereditary spastic paraplegia, mental impairment, and thin corpus callosum; Spastic Paraplegia 11. Identifiers: Orphanet 2822, MedGen C1858479, MONDO:0011445, OMIM 604360.

Allele frequency attached by ClinVar (database versions not stated): gnomAD exomes below 0.00001; gnomAD 0.00001.

Submission:

Labcorp Genetics (formerly Invitae), Labcorp
Classification: Pathogenic for Hereditary spastic paraplegia 11. Last evaluated: 2023-08-28. Review status: criteria provided, single submitter. Criteria: Invitae Variant Classification Sherloc (09022015). Collection method: clinical testing. Allele origin: germline.
Comment: This sequence change creates a premature translational stop signal (p.Ser871Argfs*11) in the SPG11 gene. It is expected to result in an absent or disrupted protein product. Loss-of-function variants in SPG11 are known to be pathogenic (PMID: 19105190, 20110243, 22154821, 26556829). For these reasons, this variant has been classified as Pathogenic. ClinVar contains an entry for this variant (Variation ID: 856716). This premature translational stop signal has been observed in individual(s) with hereditary spastic paraplegia (Invitae). This variant is present in population databases (rs750101275, gnomAD 0.007%).

Literature cited by the submitters: PubMed 19105190 (cited by Labcorp Genetics (formerly Invitae), Labcorp); PubMed 20110243 (cited by Labcorp Genetics (formerly Invitae), Labcorp); PubMed 22154821 (cited by Labcorp Genetics (formerly Invitae), Labcorp); PubMed 26556829 (cited by Labcorp Genetics (formerly Invitae), Labcorp).